The following is an entry in ClinVar:

NM_000329.3(RPE65):c.265del (p.Tyr89fs)

Gene: RPE65 (retinoid isomerohydrolase RPE65; minus strand). Cytogenetic location: 1p31.3.
Variant type: Deletion.
Coding change: c.265del on transcript NM_000329.3 (MANE Select); coding-DNA position 265, one base deleted (T; older notation c.265delT).
Protein change: p.Tyr89fs; shifts the reading frame from tyrosine 89.
Molecular consequence: frameshift variant. On other transcripts: 5 prime UTR variant (2), intron variant (1).
Genome position (GRCh38, 1-based): chr1:68,444,864, A deleted on the plus strand (T on the coding strand, the reverse complement: RPE65 is on the minus strand); the first of 2 consecutive A bases (chr1:68,444,864-68,444,865); deleting either gives the same sequence. VCF-style (leftmost placement, unchanged base first): chr1-68444863-TA-T. GRCh37 (hg19) VCF-style: chr1-68910546-TA-T.
Other names: c.-12del (NM_001406856.1, NM_001406857.1); c.265del, p.Tyr89fs (NM_001406859.1, NM_001406860.1); c.246-192del (NM_001406853.1); short protein forms Y89fs.
Identifiers: ClinVar variation 5012615 (VCV005012615.1).

ClinVar aggregate classification (germline): Pathogenic (1 of 4 stars; one submission).

Conditions:
RPE65-related recessive retinopathy. Also called: Recessive RPE65 retinopathy. Identifiers: MedGen CN305526, MONDO:0100368.

Submission:

Myriad Genetics, Inc.
Classification: Pathogenic for RPE65-related recessive retinopathy. Last evaluated: 2023-12-26. Review status: criteria provided, single submitter. Criteria: Myriad Autosomal Dominant, Autosomal Recessive and X-Linked Classification Criteria (2023). Collection method: clinical testing. Allele origin: unknown.
Comment: NM_000329.2(RPE65):c.265delT(Y89Tfs*5) is expected to be pathogenic in the context of inherited retinal dystrophy, RPE65-related. This variant is predicted to lead to an abnormal or absent protein product due to the creation of a premature termination codon in RPE65, a gene where loss-of-function variants are known to be pathogenic. Please note: this variant was assessed in the context of healthy population screening.